The following is an entry in ClinVar:

NM_002730.4(PRKACA):c.711G>A (p.Pro237=)

Gene: PRKACA (protein kinase cAMP-activated catalytic subunit alpha; minus strand). Cytogenetic location: 19p13.12.
Variant type: single nucleotide variant.
Coding change: c.711G>A on transcript NM_002730.4 (MANE Select); coding-DNA position 711, G replaced by A.
Protein change: p.Pro237=; no amino-acid change (proline 237 retained).
Molecular consequence: synonymous variant.
Genome position (GRCh38, 1-based): chr19:14,097,415, C>T on the plus strand (G>A on the coding strand, the complement: PRKACA is on the minus strand). VCF-style: chr19-14097415-C-T. GRCh37 (hg19) VCF-style: chr19-14208227-C-T.
Other names: c.939G>A, p.Pro313= (NM_001304349.2); c.687G>A, p.Pro229= (NM_207518.3).
Identifiers: ClinVar variation 755149 (VCV000755149.5), dbSNP rs137911238, ClinGen allele CA9249224.

ClinVar aggregate classification (germline): Likely benign. Review status: criteria provided, single submitter (1 of 4 stars). 2 submissions from 2 submitters: Likely benign (1). 1 of the submissions does not count toward it. Last evaluated 2018-07-26.

Conditions:
PRKACA-related disorder. Also called: PRKACA-related condition.

Allele frequency attached by ClinVar (database versions not stated): gnomAD exomes 0.00012 and 0.00026; ExAC 0.00014; TOPMed 0.00018; gnomAD 0.00021 and 0.00023; ESP Exome Variant Server 0.00038.
gnomAD v4.1: 405 of 1,613,950 alleles (0.025%); highest among the groups gnomAD compares: Non-Finnish European, 0.033%; no homozygotes.

Submissions (2):

Labcorp Genetics (formerly Invitae), Labcorp
Classification: Likely benign. Last evaluated: 2018-07-26. Review status: criteria provided, single submitter. Criteria: Invitae Variant Classification Sherloc (09022015). Collection method: clinical testing. Allele origin: germline.

PreventionGenetics, part of Exact Sciences
Classification: Likely benign for PRKACA-related condition. Last evaluated: 2019-04-01. Review status: no assertion criteria provided. Collection method: clinical testing. Allele origin: germline. Not counted in ClinVar's aggregate classification.
Comment: This variant is classified as likely benign based on ACMG/AMP sequence variant interpretation guidelines (Richards et al. 2015 PMID: 25741868, with internal and published modifications).